The following is an entry in ClinVar:

NM_004304.5(ALK):c.1467G>C (p.Trp489Cys)

Gene: ALK (ALK receptor tyrosine kinase; minus strand). Cytogenetic location: 2p23.2.
Variant type: single nucleotide variant.
Coding change: c.1467G>C on transcript NM_004304.5 (MANE Select); coding-DNA position 1467, G replaced by C.
Protein change: p.Trp489Cys; replaces tryptophan 489 with cysteine.
Molecular consequence: missense variant.
Genome position (GRCh38, 1-based): chr2:29,320,830, C>G on the plus strand (G>C on the coding strand, the complement: ALK is on the minus strand). VCF-style: chr2-29320830-C-G. GRCh37 (hg19) VCF-style: chr2-29543696-C-G.
Other names: short protein forms W489C.
Identifiers: ClinVar variation 3712747 (VCV003712747.2).
Genomic context (GRCh38, chr2:29,320,830, plus strand): 5'-GGCATCCTTTAGGGTCCTGACCTGCCATTGAGGAGTGTGGGGTGACAGTGTGCCTTGGGT[C>G]CAGCCACAGAAGCCATCTTCAAAGTTGCAGTAAAAACCCACAGGCAGTTTCCCTATGGAG-3'
Protein context (NP_004295.2, residues 479-499): YCNFEDGFCG[Trp489Cys]TQGTLSPHTP

ClinVar aggregate classification (germline): Uncertain significance (1 of 4 stars; one submission).

Conditions:
Neuroblastoma, susceptibility to, 3. Also called: ALK-Related Neuroblastic Tumor Susceptibility. Identifiers: Orphanet 635, MedGen C2751681, MONDO:0013083, OMIM 613014.

Submission:

Labcorp Genetics (formerly Invitae), Labcorp
Classification: Uncertain significance for Neuroblastoma, susceptibility to, 3. Last evaluated: 2024-08-31. Review status: criteria provided, single submitter. Criteria: Invitae Variant Classification Sherloc (09022015). Collection method: clinical testing. Allele origin: germline.
Comment: This sequence change replaces tryptophan, which is neutral and slightly polar, with cysteine, which is neutral and slightly polar, at codon 489 of the ALK protein (p.Trp489Cys). This variant is not present in population databases (gnomAD no frequency). This variant has not been reported in the literature in individuals affected with ALK-related conditions. An algorithm developed to predict the effect of missense changes on protein structure and function (PolyPhen-2) suggests that this variant is likely to be disruptive. In summary, the available evidence is currently insufficient to determine the role of this variant in disease. Therefore, it has been classified as a Variant of Uncertain Significance.